The following is an entry in ClinVar:

NM_016239.4(MYO15A):c.6541C>T (p.Gln2181Ter)

Gene: MYO15A (myosin XVA; plus strand). Cytogenetic location: 17p11.2.
Variant type: single nucleotide variant.
Coding change: c.6541C>T on transcript NM_016239.4 (MANE Select); coding-DNA position 6541, C replaced by T.
Protein change: p.Gln2181Ter; replaces glutamine 2181 with a stop codon.
Molecular consequence: nonsense.
Genome position (GRCh38, 1-based): chr17:18,148,060, C>T. VCF-style: chr17-18148060-C-T. GRCh37 (hg19) VCF-style: chr17-18051374-C-T.
Other names: short protein forms Q2181*.
Identifiers: ClinVar variation 3601373 (VCV003601373.1).

ClinVar aggregate classification (germline): Pathogenic (1 of 4 stars; one submission).

Conditions:
Autosomal recessive nonsyndromic hearing loss 3. Also called: NEUROSENSORY NONSYNDROMIC RECESSIVE DEAFNESS 3. Identifiers: Orphanet 90636, MedGen C1838263, MONDO:0010860, OMIM 600316.

Submission:

Institute of Rare Diseases, West China Hospital, Sichuan University
Classification: Pathogenic for Autosomal recessive nonsyndromic hearing loss 3. Last evaluated: 2025-01-09. Review status: criteria provided, single submitter. Criteria: ClinGen HL ACMG Specifications v1. Collection method: research. Allele origin: germline. Affected: yes.
Comment: PVS1;PM3;PM2_Supporting